The following is an entry in ClinVar:

NM_152383.5(DIS3L2):c.484C>T (p.Pro162Ser)

Gene: DIS3L2 (DIS3 like 3'-5' exoribonuclease 2; plus strand). Cytogenetic location: 2q37.1.
Variant type: single nucleotide variant.
Coding change: c.484C>T on transcript NM_152383.5 (MANE Select); coding-DNA position 484, C replaced by T.
Protein change: p.Pro162Ser; replaces proline 162 with serine.
Molecular consequence: missense variant. On other transcripts: non-coding transcript variant (2).
Genome position (GRCh38, 1-based): chr2:232,087,604, C>T. VCF-style: chr2-232087604-C-T. GRCh37 (hg19) VCF-style: chr2-232952314-C-T.
Other names: c.484C>T, p.Pro162Ser (NM_001257281.2, NM_001257282.2); short protein forms P162S.
Identifiers: ClinVar variation 1004808 (VCV001004808.8), dbSNP rs1478569468, ClinGen allele CA351155080.
Genomic context (GRCh38, chr2:232,087,604, plus strand): 5'-CCCGAGGAGCTCTGTGGACACCATCTCCCGCAACAGTCCCTGAAAAGCTATAATGACAGT[C>T]CTGATGTCATTGTAGAGGCTCAGTTTGATGGCAGCGACTCAGAAGATGGACATGGCATCA-3'
Protein context (NP_689596.4, residues 152-172): QQSLKSYNDS[Pro162Ser]DVIVEAQFDG

ClinVar aggregate classification (germline): Uncertain significance (1 of 4 stars; one submission).

Conditions:
Perlman syndrome (PRLMNS). Identifiers: Orphanet 2849, MedGen C0796113, MONDO:0009965, OMIM 267000.

Submission:

Labcorp Genetics (formerly Invitae), Labcorp
Classification: Uncertain significance for Perlman syndrome. Last evaluated: 2023-05-04. Review status: criteria provided, single submitter. Criteria: Invitae Variant Classification Sherloc (09022015). Collection method: clinical testing. Allele origin: germline.
Comment: An algorithm developed to predict the effect of missense changes on protein structure and function (PolyPhen-2) suggests that this variant is likely to be tolerated. This sequence change replaces proline, which is neutral and non-polar, with serine, which is neutral and polar, at codon 162 of the DIS3L2 protein (p.Pro162Ser). This variant is not present in population databases (gnomAD no frequency). This variant has not been reported in the literature in individuals affected with DIS3L2-related conditions. ClinVar contains an entry for this variant (Variation ID: 1004808). In summary, the available evidence is currently insufficient to determine the role of this variant in disease. Therefore, it has been classified as a Variant of Uncertain Significance.